The following is an entry in ClinVar:

ClinVar aggregate classification (germline): Uncertain significance. Review status: criteria provided, multiple submitters, no conflicts (2 of 4 stars). 2 submissions from 2 submitters: Uncertain significance (2). Last evaluated 2024-02-05.

Conditions:
Neuromuscular disease caused by qualitative or quantitative defects of dysferlin. Also called: Qualitative or quantitative defects of dysferlin; Dysferlinopathy. Identifiers: Orphanet 207073, MedGen C2931687, MONDO:0016145.
Autosomal recessive limb-girdle muscular dystrophy type 2B (LGMDR2). Also called: Limb-Girdle Muscular Dystrophy Type 2B (LGMD2B); Limb-girdle muscular dystrophy, type 2B; MUSCULAR DYSTROPHY, LIMB-GIRDLE, TYPE 3; MUSCULAR DYSTROPHY, LIMB-GIRDLE, AUTOSOMAL RECESSIVE 2. Identifiers: Orphanet 268, MedGen C1850889, MONDO:0009676, OMIM 253601.

Allele frequency attached by ClinVar (database versions not stated): gnomAD 0.00001; gnomAD exomes 0.00001 and 0.00002; TOPMed 0.00001; ExAC 0.00003; 1000 Genomes Project 30x 0.00016; 1000 Genomes Project 0.00020.
gnomAD v4.1: 17 of 1,614,218 alleles (0.0011%); highest among the groups gnomAD compares: South Asian, 0.0077%; no homozygotes.

Submissions (2):

Molecular Genetics, Royal Melbourne Hospital
Classification: Uncertain significance for Autosomal recessive limb-girdle muscular dystrophy type 2B. Last evaluated: 2024-02-05. Review status: criteria provided, single submitter. Criteria: ACMG Guidelines, 2015. Collection method: clinical testing. Allele origin: germline. Inheritance: Autosomal recessive inheritance. Affected: yes.
Comment: This sequence change is predicted to replace arginine with glutamine at codon 236 of the DYSF protein, p.(Arg236Gln). The arginine residue is moderately conserved (100 vertebrates, UCSC), and is located in the C2 domain 2. There is a small physicochemical difference between arginine and glutamine. The highest population minor allele frequency in the population database gnomAD v2.1 is 0.01% (3/30,616 alleles) in the South Asian population, which is consistent with recessive disease. To our knowledge, this variant has not been previously reported in the relevant scientific literature. Computational evidence is uninformative for the missense substitution (REVEL=0.334). Based on the classification scheme RMH Modified ACMG Guidelines v1.6.1, this variant is classified as a VARIANT OF UNCERTAIN SIGNIFICANCE. Following criteria are met: PM2_Supporting.

Labcorp Genetics (formerly Invitae), Labcorp
Classification: Uncertain significance for Neuromuscular disease caused by qualitative or quantitative defects of dysferlin. Last evaluated: 2022-06-17. Review status: criteria provided, single submitter. Criteria: Invitae Variant Classification Sherloc (09022015). Collection method: clinical testing. Allele origin: germline.
Comment: This sequence change replaces arginine, which is basic and polar, with glutamine, which is neutral and polar, at codon 204 of the DYSF protein (p.Arg204Gln). This variant is present in population databases (rs528386282, gnomAD 0.006%). This variant has not been reported in the literature in individuals affected with DYSF-related conditions. Advanced modeling of protein sequence and biophysical properties (such as structural, functional, and spatial information, amino acid conservation, physicochemical variation, residue mobility, and thermodynamic stability) performed at Invitae indicates that this missense variant is not expected to disrupt DYSF protein function. In summary, the available evidence is currently insufficient to determine the role of this variant in disease. Therefore, it has been classified as a Variant of Uncertain Significance.

NM_001130987.2(DYSF):c.707G>A (p.Arg236Gln)

Gene: DYSF (dysferlin; plus strand). Cytogenetic location: 2p13.2.
Variant type: single nucleotide variant.
Coding change: c.707G>A on transcript NM_001130987.2 (MANE Select); coding-DNA position 707, G replaced by A.
Protein change: p.Arg236Gln; replaces arginine 236 with glutamine.
Molecular consequence: missense variant.
Genome position (GRCh38, 1-based): chr2:71,513,869, G>A. VCF-style: chr2-71513869-G-A. GRCh37 (hg19) VCF-style: chr2-71740999-G-A.
Other names: c.614G>A, p.Arg205Gln (NM_001130455.2, NM_001130983.2, NM_001130984.2 and 1 more transcripts); c.611G>A, p.Arg204Gln (NM_001130976.2, NM_001130977.2, NM_001130978.2 and 1 more transcripts); c.704G>A, p.Arg235Gln (NM_001130979.2, NM_001130980.2, NM_001130981.2); c.707G>A, p.Arg236Gln (NM_001130982.2, NM_001130985.2); short protein forms R204Q, R205Q, R235Q, R236Q.
Identifiers: ClinVar variation 1678554 (VCV001678554.4), dbSNP rs528386282, ClinGen allele CA1705423.
Genomic context (GRCh38, chr2:71,513,869, plus strand): 5'-CCACCCCAAGGAAACTACCTTCACGTCCTCCGCCCCACTACCCCGGGATCAAAAGAAAGC[G>A]AAGTGCGCCTACATCTAGAAAGCTGCTGTCAGACAAACCGCAGGATTTCCAGGTGATGAA-3'
Protein context (NP_001124459.1, residues 226-246): PPHYPGIKRK[Arg236Gln]SAPTSRKLLS